The following is an entry in ClinVar:

NM_014425.5(INVS):c.2029T>G (p.Ser677Ala)

Gene: INVS (inversin; plus strand). Cytogenetic location: 9q31.1.
Variant type: single nucleotide variant.
Coding change: c.2029T>G on transcript NM_014425.5 (MANE Select); coding-DNA position 2029, T replaced by G.
Protein change: p.Ser677Ala; replaces serine 677 with alanine.
Molecular consequence: missense variant. On other transcripts: non-coding transcript variant (1).
Genome position (GRCh38, 1-based): chr9:100,284,564, T>G. VCF-style: chr9-100284564-T-G. GRCh37 (hg19) VCF-style: chr9-103046846-T-G.
Other names: c.1741T>G, p.Ser581Ala (NM_001318381.2); c.1051T>G, p.Ser351Ala (NM_001318382.2); short protein forms S581A, S677A, S351A.
Identifiers: ClinVar variation 2957877 (VCV002957877.4), dbSNP rs758878275, ClinGen allele CA5158533.

ClinVar aggregate classification (germline): Uncertain significance. Review status: criteria provided, multiple submitters, no conflicts (2 of 4 stars). 2 submissions from 2 submitters: Uncertain significance (2). Last evaluated 2024-03-28.

Conditions:
Infantile nephronophthisis (NPHP2). Also called: Nephronophthisis 2; Nephronophthisis 2, infantile. Identifiers: Orphanet 655, Orphanet 93591, MedGen C1865872, MONDO:0011190, OMIM 602088.
Nephronophthisis. Also called: Juvenile Nephronophthisis. Identifiers: Orphanet 655, MedGen C0687120, MONDO:0019005, HP:0000090.

Allele frequency attached by ClinVar (database versions not stated): gnomAD exomes below 0.00001; ExAC 0.00001; gnomAD 0.00002; TOPMed 0.00002.
gnomAD v4.1: 10 of 1,613,728 alleles (0.00062%); highest among the groups gnomAD compares: Non-Finnish European, 0.00076%; no homozygotes.

Submissions (2):

Fulgent Genetics
Classification: Uncertain significance for Infantile nephronophthisis. Last evaluated: 2024-03-28. Review status: criteria provided, single submitter. Criteria: ACMG Guidelines, 2015. Collection method: clinical testing. Allele origin: germline.

Labcorp Genetics (formerly Invitae), Labcorp
Classification: Uncertain significance for Nephronophthisis. Last evaluated: 2024-01-11. Review status: criteria provided, single submitter. Criteria: Invitae Variant Classification Sherloc (09022015). Collection method: clinical testing. Allele origin: germline.
Comment: This sequence change replaces serine, which is neutral and polar, with alanine, which is neutral and non-polar, at codon 677 of the INVS protein (p.Ser677Ala). This variant is present in population databases (rs758878275, gnomAD 0.0009%). This variant has not been reported in the literature in individuals affected with INVS-related conditions. An algorithm developed to predict the effect of missense changes on protein structure and function (PolyPhen-2) suggests that this variant is likely to be tolerated. In summary, the available evidence is currently insufficient to determine the role of this variant in disease. Therefore, it has been classified as a Variant of Uncertain Significance.